The following is an entry in ClinVar:

ClinVar aggregate classification (germline): Pathogenic (1 of 4 stars; one submission).

Conditions:
Tuberous sclerosis 2 (TSC2). Identifiers: Orphanet 805, MedGen C1860707, MONDO:0013199, OMIM 613254.

Submission:

Labcorp Genetics (formerly Invitae), Labcorp
Classification: Pathogenic for Tuberous sclerosis 2. Last evaluated: 2026-01-25. Review status: criteria provided, single submitter. Criteria: Invitae Variant Classification Sherloc (09022015). Collection method: clinical testing. Allele origin: germline.
Comment: This sequence change creates a premature translational stop signal (p.Ile1357Asnfs*57) in the TSC2 gene. It is expected to result in an absent or disrupted protein product. Loss-of-function variants in TSC2 are known to be pathogenic (PMID: 10205261, 17304050). This variant is not present in population databases (gnomAD no frequency). This variant has not been reported in the literature in individuals affected with TSC2-related conditions. For these reasons, this variant has been classified as Pathogenic.

Literature cited by the submitters: PubMed 10205261; PubMed 17304050.

NM_000548.5(TSC2):c.4069dup (p.Ile1357fs)

Gene: TSC2 (TSC complex subunit 2; plus strand). Cytogenetic location: 16p13.3.
Variant type: Duplication.
Coding change: c.4069dup on transcript NM_000548.5 (MANE Select); coding-DNA position 4069, one base duplicated (A; older notation c.4069dupA).
Protein change: p.Ile1357fs; shifts the reading frame from isoleucine 1357.
Molecular consequence: frameshift variant. On other transcripts: non-coding transcript variant (5).
Genome position (GRCh38, 1-based): chr16:2,084,291, A duplicated. VCF-style (leftmost placement, unchanged base first): chr16-2084290-C-CA. GRCh37 (hg19) VCF-style: chr16-2134291-C-CA.
Other names: c.3868dup, p.Ile1290fs (NM_001077183.3); c.4000dup, p.Ile1334fs (NM_001114382.3); c.3760dup, p.Ile1254fs (NM_001318827.2); c.3724dup, p.Ile1242fs (NM_001318829.2); c.3337dup, p.Ile1113fs (NM_001318831.2); c.3901dup, p.Ile1301fs (NM_001318832.2); c.3871dup, p.Ile1291fs (NM_001363528.2); c.3937dup, p.Ile1313fs (NM_001370404.1); and 26 more; short protein forms I1137fs, I1290fs, I1333fs, I866fs, I1134fs, I1284fs, I1285fs, I1287fs.
Identifiers: ClinVar variation 4736107 (VCV004736107.1).